The following is an entry in ClinVar:

ClinVar aggregate classification (germline): Uncertain significance. Review status: criteria provided, multiple submitters, no conflicts (2 of 4 stars). 2 submissions from 2 submitters: Uncertain significance (2). Last evaluated 2024-10-25.

Allele frequency attached by ClinVar (database versions not stated): ExAC below 0.00001; gnomAD 0.00007; TOPMed 0.00007; 1000 Genomes Project 30x 0.00016.

Submissions (2):

Labcorp Genetics (formerly Invitae), Labcorp
Classification: Uncertain significance. Last evaluated: 2024-10-25. Review status: criteria provided, single submitter. Criteria: Invitae Variant Classification Sherloc (09022015). Collection method: clinical testing. Allele origin: germline.
Comment: This sequence change replaces glycine, which is neutral and non-polar, with arginine, which is basic and polar, at codon 30 of the REEP6 protein (p.Gly30Arg). The frequency data for this variant in the population databases is considered unreliable, as metrics indicate poor data quality at this position in the gnomAD database. This variant has not been reported in the literature in individuals affected with REEP6-related conditions. ClinVar contains an entry for this variant (Variation ID: 854112). Experimental studies and prediction algorithms are not available or were not evaluated, and the functional significance of this variant is currently unknown. In summary, the available evidence is currently insufficient to determine the role of this variant in disease. Therefore, it has been classified as a Variant of Uncertain Significance.

Blueprint Genetics
Classification: Uncertain significance. Last evaluated: 2021-12-14. Review status: criteria provided, single submitter. Criteria: ACMG Guidelines, 2015. Collection method: clinical testing. Allele origin: germline.

NM_138393.4(REEP6):c.88G>C (p.Gly30Arg)

Genes: REEP6 (receptor accessory protein 6; plus strand), LOC130062963 (ATAC-STARR-seq lymphoblastoid silent region 9724; plus strand). Cytogenetic location: 19p13.3.
Variant type: single nucleotide variant.
Coding change: c.88G>C on transcript NM_138393.4 (MANE Select); coding-DNA position 88, G replaced by C.
Protein change: p.Gly30Arg; replaces glycine 30 with arginine.
Molecular consequence: missense variant.
Genome position (GRCh38, 1-based): chr19:1,491,357, G>C. VCF-style: chr19-1491357-G-C. GRCh37 (hg19) VCF-style: chr19-1491356-G-C.
Other names: c.88G>C, p.Gly30Arg (NM_001329556.3); short protein forms G30R.
Identifiers: ClinVar variation 854112 (VCV000854112.8), dbSNP rs781223650, ClinGen allele CA9047378.